The following is an entry in ClinVar:

NM_000525.4(KCNJ11):c.901C>T (p.Arg301Cys)

Gene: KCNJ11 (potassium inwardly rectifying channel subfamily J member 11; minus strand). Cytogenetic location: 11p15.1.
Variant type: single nucleotide variant.
Coding change: c.901C>T on transcript NM_000525.4 (MANE Select); coding-DNA position 901, C replaced by T.
Protein change: p.Arg301Cys; replaces arginine 301 with cysteine.
Molecular consequence: missense variant.
Genome position (GRCh38, 1-based): chr11:17,387,191, G>A on the plus strand (C>T on the coding strand, the complement: KCNJ11 is on the minus strand). VCF-style: chr11-17387191-G-A. GRCh37 (hg19) VCF-style: chr11-17408738-G-A.
Other names: c.640C>T, p.Arg214Cys (NM_001166290.2, NM_001377296.1, NM_001377297.1); short protein forms R214C, R301C.
Identifiers: ClinVar variation 642470 (VCV000642470.11), dbSNP rs377091338, ClinGen allele CA5902226.

ClinVar aggregate classification (germline): Conflicting classifications of pathogenicity. Review status: criteria provided, conflicting classifications (1 of 4 stars). 4 submissions from 4 submitters: Pathogenic (1); Likely pathogenic (2); Uncertain significance (1). Last evaluated 2025-06-13.

Conditions:
Hyperinsulinemic hypoglycemia, familial, 2. Also called: HYPERINSULINEMIC HYPOGLYCEMIA, PERSISTENT; HYPERINSULINISM, NEONATAL. Identifiers: Orphanet 276580, Orphanet 276603, MedGen C2931833, MONDO:0011153, OMIM 601820. Disease mechanism: loss of function.
Maturity-onset diabetes of the young type 13. Also called: MODY, TYPE 13. Identifiers: Orphanet 552, MedGen C4225365, MONDO:0014589, OMIM 616329.
Type 2 diabetes mellitus. Also called: Type II diabetes mellitus. Identifiers: MedGen C0011860, MeSH D003924, MONDO:0005148, OMIM 125853, HP:0005978.
Diabetes mellitus, transient neonatal, 3 (TNDM3). Identifiers: Orphanet 99886, MedGen C1864623, MONDO:0012522, OMIM 610582. Disease mechanism: loss of function.
Diabetes mellitus, permanent neonatal 2. Also called: KCNJ11-Related Permanent Neonatal Diabetes Mellitus. Identifiers: MedGen C5394296, MONDO:0030087, OMIM 618856.
Maturity-onset diabetes of the young (MODY). Also called: Maturity onset diabetes mellitus in young. Identifiers: Orphanet 552, MedGen C0342276, MONDO:0018911, HP:0004904.
Familial hyperinsulinism. Also called: Congenital hyperinsulinism. Identifiers: Orphanet 276525, MedGen C3888018, MONDO:0017182. Disease mechanism: loss of function.

Allele frequency attached by ClinVar (database versions not stated): gnomAD exomes below 0.00001 and 0.00001; ExAC 0.00001; TOPMed 0.00001; ESP Exome Variant Server 0.00008.

Submissions (4):

Women's Health and Genetics/Laboratory Corporation of America, LabCorp
Classification: Pathogenic for Familial hyperinsulinism. Last evaluated: 2025-06-13. Review status: criteria provided, single submitter. Criteria: LabCorp Variant Classification Summary - May 2015. Collection method: clinical testing. Allele origin: germline.
Comment: Variant summary: KCNJ11 c.901C>T (p.Arg301Cys) results in a non-conservative amino acid change in the encoded protein sequence. Algorithms developed to predict the effect of missense changes on protein structure and function all suggest that this variant is likely to be disruptive. The variant allele was found at a frequency of 4e-06 in 251448 control chromosomes. c.901C>T has been observed in individual(s) affected with Congenital Hyperinsulinism (Lin_2008, Snider_2012, etc). These data indicate that the variant may be associated with disease. A different variant affecting the same codon has been classified as likely pathogenic by our lab (c.902G>A, p.Arg301His), supporting the critical relevance of codon 301 to KCNJ11 protein function. Experimental studies have shown that this missense change affects KCNJ11 function (Lin_2008). The following publications have been ascertained in the context of this evaluation (PMID: 18250167, 12524280, 23275527). ClinVar contains an entry for this variant (Variation ID: 642470). Based on the evidence outlined above, the variant was classified as pathogenic.

Labcorp Genetics (formerly Invitae), Labcorp
Classification: Likely pathogenic. Last evaluated: 2024-01-30. Review status: criteria provided, single submitter. Criteria: Invitae Variant Classification Sherloc (09022015). Collection method: clinical testing. Allele origin: germline.
Comment: This sequence change replaces arginine, which is basic and polar, with cysteine, which is neutral and slightly polar, at codon 301 of the KCNJ11 protein (p.Arg301Cys). The frequency data for this variant in the population databases is considered unreliable, as metrics indicate poor data quality at this position in the gnomAD database. This missense change has been observed in individuals with autosomal recessive diffuse or focal hyperinsulinism (PMID: 18250167, 20685672, 23275527). ClinVar contains an entry for this variant (Variation ID: 642470). Advanced modeling of protein sequence and biophysical properties (such as structural, functional, and spatial information, amino acid conservation, physicochemical variation, residue mobility, and thermodynamic stability) performed at Invitae indicates that this missense variant is expected to disrupt KCNJ11 protein function with a positive predictive value of 95%. Experimental studies have shown that this missense change affects KCNJ11 function (PMID: 11585851, 12524280, 18250167). This variant disrupts the p.Arg301 amino acid residue in KCNJ11. Other variant(s) that disrupt this residue have been determined to be pathogenic (PMID: 18250167, 20685672, 23275527). This suggests that this residue is clinically significant, and that variants that disrupt this residue are likely to be disease-causing. In summary, the currently available evidence indicates that the variant is pathogenic, but additional data are needed to prove that conclusively. Therefore, this variant has been classified as Likely Pathogenic.

Fulgent Genetics
Classification: Likely pathogenic for Type 2 diabetes mellitus; Hyperinsulinemic hypoglycemia, familial, 2; Diabetes mellitus, transient neonatal, 3; Maturity-onset diabetes of the young type 13; Diabetes mellitus, permanent neonatal 2. Last evaluated: 2024-01-26. Review status: criteria provided, single submitter. Criteria: ACMG Guidelines, 2015. Collection method: clinical testing. Allele origin: germline.

Clinical Genomics, Uppaluri K&H Personalized Medicine Clinic
Classification: Uncertain significance for Maturity-onset diabetes of the young. Review status: criteria provided, single submitter. Criteria: K & H Uppaluri Personalized Medicine Clinic Variant Classification & Assertion Criteria_Updated V.1. Collection method: research. Allele origin: somatic. Inheritance: Autosomal dominant inheritance.
Comment: Mutations in KCNJ11 gene can cause decreased production and secretion of insulin. This can lead to MODY which may be responsive to oral sulfonylureas. It is also associated with Neonatal Diabetes. However, no sufficient evidence is found to ascertain the role of this particular variant (rs377091338) in MODY yet.

Literature cited by the submitters: PubMed 18250167 (cited by Women's Health and Genetics/Laboratory Corporation of America, LabCorp and Labcorp Genetics (formerly Invitae), Labcorp); PubMed 12524280 (cited by Women's Health and Genetics/Laboratory Corporation of America, LabCorp and Labcorp Genetics (formerly Invitae), Labcorp); PubMed 23275527 (cited by Women's Health and Genetics/Laboratory Corporation of America, LabCorp and Labcorp Genetics (formerly Invitae), Labcorp); PubMed 20685672 (cited by Labcorp Genetics (formerly Invitae), Labcorp); PubMed 11585851 (cited by Labcorp Genetics (formerly Invitae), Labcorp); PubMed 26448950 (cited by Clinical Genomics, Uppaluri K&H Personalized Medicine Clinic); PubMed 15580558 (cited by Clinical Genomics, Uppaluri K&H Personalized Medicine Clinic); PubMed 15718250 (cited by Clinical Genomics, Uppaluri K&H Personalized Medicine Clinic); PubMed 32935446 (cited by Clinical Genomics, Uppaluri K&H Personalized Medicine Clinic); PubMed 22701567 (cited by Clinical Genomics, Uppaluri K&H Personalized Medicine Clinic).